The following is an entry in ClinVar:

ClinVar aggregate classification (germline): Pathogenic/Likely pathogenic. Review status: criteria provided, multiple submitters, no conflicts (2 of 4 stars). 2 submissions from 2 submitters: Pathogenic (1); Likely pathogenic (1). Last evaluated 2023-05-13.

Conditions:
Desmin-related myofibrillar myopathy (MFM1). Also called: Desminopathy; Desmin related myopathy (former name); Desmin storage myopathy (former name); MYOFIBRILLAR MYOPATHY WITH ARRHYTHMOGENIC RIGHT VENTRICULAR CARDIOMYOPATHY; DESMIN-RELATED MYOPATHY WITH ARRHYTHMOGENIC RIGHT VENTRICULAR CARDIOMYOPATHY; Myofibrillar myopathy 1. Identifiers: Orphanet 363543, Orphanet 98909, MedGen C1832370, MONDO:0011076, OMIM 601419.

Submissions (2):

Labcorp Genetics (formerly Invitae), Labcorp
Classification: Pathogenic for Desmin-related myofibrillar myopathy. Last evaluated: 2023-05-13. Review status: criteria provided, single submitter. Criteria: Invitae Variant Classification Sherloc (09022015). Collection method: clinical testing. Allele origin: germline.
Comment: For these reasons, this variant has been classified as Pathogenic. This variant has not been reported in the literature in individuals affected with DES-related conditions. This variant is not present in population databases (gnomAD no frequency). This sequence change creates a premature translational stop signal (p.Gln55*) in the DES gene. It is expected to result in an absent or disrupted protein product. Loss-of-function variants in DES are known to be pathogenic (PMID: 23575897).

Laboratory for Molecular Medicine, Mass General Brigham Personalized Medicine
Classification: Likely pathogenic for Desmin-related myofibrillar myopathy. Last evaluated: 2019-02-08. Review status: criteria provided, single submitter. Criteria: ACMG Guidelines, 2015. Collection method: clinical testing. Allele origin: germline. Inheritance: Autosomal dominant inheritance.
Comment: The p.Gln55X variant in DES has not been previously reported in individuals with desmin-related myopathy and was absent from large population studies. This nonsense variant leads to a premature termination codon at position 55, which is predicted to lead to a truncated or absent protein. Heterozygous loss of function of the DES gene is an established disease mechanism in desmin-related myopathy. In summary, although additional studies are required to fully establish its clinical significance, the p.Gln55X variant is likely pathogenic. ACMG/AMP Criteria applied: PVS1, PM2.

Literature cited by the submitters: PubMed 23575897 (cited by Labcorp Genetics (formerly Invitae), Labcorp).

NM_001927.4(DES):c.163C>T (p.Gln55Ter)

Gene: DES (desmin; plus strand). Cytogenetic location: 2q35.
Variant type: single nucleotide variant.
Coding change: c.163C>T on transcript NM_001927.4 (MANE Select); coding-DNA position 163, C replaced by T.
Protein change: p.Gln55Ter; replaces glutamine 55 with a stop codon.
Molecular consequence: nonsense.
Genome position (GRCh38, 1-based): chr2:219,418,625, C>T. VCF-style: chr2-219418625-C-T. GRCh37 (hg19) VCF-style: chr2-220283347-C-T.
Other names: c.163C>T, p.Gln55Ter (NM_001382708.1, NM_001382709.1, NM_001382710.1 and 3 more transcripts); short protein forms Q55*.
Identifiers: ClinVar variation 2941160 (VCV002941160.4), dbSNP rs1954365477, ClinGen allele CA350683513.